The following is an entry in ClinVar:

NM_015450.3(POT1):c.964T>C (p.Ser322Pro)

Gene: POT1 (protection of telomeres 1; minus strand). Cytogenetic location: 7q31.33.
Variant type: single nucleotide variant.
Coding change: c.964T>C on transcript NM_015450.3 (MANE Select); coding-DNA position 964, T replaced by C.
Protein change: p.Ser322Pro; replaces serine 322 with proline.
Molecular consequence: missense variant. On other transcripts: non-coding transcript variant (3).
Genome position (GRCh38, 1-based): chr7:124,846,984, A>G on the plus strand (T>C on the coding strand, the complement: POT1 is on the minus strand). VCF-style: chr7-124846984-A-G. GRCh37 (hg19) VCF-style: chr7-124487038-A-G.
Other names: c.571T>C, p.Ser191Pro (NM_001042594.2); short protein forms S191P, S322P.
Identifiers: ClinVar variation 1019368 (VCV001019368.10), dbSNP rs1795185450, ClinGen allele CA369053827.

ClinVar aggregate classification (germline): Uncertain significance (1 of 4 stars; one submission).

Conditions:
Tumor predisposition syndrome 3 (TPDS3). Also called: Glioma susceptibility 9; LONG TELOMERE SYNDROME, POT1-RELATED; POT1 Tumor Predisposition; Melanoma, cutaneous malignant, susceptibility to, 10. Identifiers: Orphanet 618, MedGen C4014476, MONDO:0014368, OMIM 615848.

Submission:

Labcorp Genetics (formerly Invitae), Labcorp
Classification: Uncertain significance for Tumor predisposition syndrome 3. Last evaluated: 2020-08-21. Review status: criteria provided, single submitter. Criteria: Invitae Variant Classification Sherloc (09022015). Collection method: clinical testing. Allele origin: germline.
Comment: In summary, the available evidence is currently insufficient to determine the role of this variant in disease. Therefore, it has been classified as a Variant of Uncertain Significance. Algorithms developed to predict the effect of missense changes on protein structure and function are either unavailable or do not agree on the potential impact of this missense change (SIFT: "Deleterious"; PolyPhen-2: "Probably Damaging"; Align-GVGD: "Class C0"). This variant has not been reported in the literature in individuals with POT1-related conditions. This variant is not present in population databases (ExAC no frequency). This sequence change replaces serine with proline at codon 322 of the POT1 protein (p.Ser322Pro). The serine residue is moderately conserved and there is a moderate physicochemical difference between serine and proline.